The following is an entry in ClinVar:

ClinVar aggregate classification (germline): Benign/Likely benign. Review status: criteria provided, multiple submitters, no conflicts (2 of 4 stars). 4 submissions from 4 submitters: Benign (1); Likely benign (2). 1 of the submissions does not count toward it. Last evaluated 2023-12-27.

Conditions:
BLTP1-related disorder. Also called: BLTP1-related condition.

Allele frequency attached by ClinVar (database versions not stated): gnomAD exomes 0.00015 and 0.00038; ExAC 0.00040; ESP Exome Variant Server 0.00102; gnomAD 0.00167 and 0.00176; 1000 Genomes Project 30x 0.00172; 1000 Genomes Project 0.00180; TOPMed 0.00200.
gnomAD v4.1: 489 of 1,606,148 alleles (0.03%); highest among the groups gnomAD compares: African/African-American, 0.59%; 3 homozygotes.

Submissions (4):

Blueprint Genetics
Classification: Likely benign. Last evaluated: 2023-12-27. Review status: criteria provided, single submitter. Criteria: ACMG Guidelines, 2015. Collection method: clinical testing. Allele origin: germline.

Labcorp Genetics (formerly Invitae), Labcorp
Classification: Benign. Last evaluated: 2019-12-31. Review status: criteria provided, single submitter. Criteria: Invitae Variant Classification Sherloc (09022015). Collection method: clinical testing. Allele origin: germline.

Breakthrough Genomics
Classification: Likely benign. Review status: criteria provided, single submitter. Criteria: ACMG Guidelines, 2015. Collection method: not provided. Allele origin: germline. Inheritance: Unknown mechanism. Affected: yes.

PreventionGenetics, part of Exact Sciences
Classification: Likely benign for BLTP1-related condition. Last evaluated: 2020-02-26. Review status: no assertion criteria provided. Collection method: clinical testing. Allele origin: germline. Not counted in ClinVar's aggregate classification.
Comment: This variant is classified as likely benign based on ACMG/AMP sequence variant interpretation guidelines (Richards et al. 2015 PMID: 25741868, with internal and published modifications).

NM_001384125.1(BLTP1):c.214+8T>G

Gene: BLTP1 (bridge-like lipid transfer protein family member 1; plus strand). Cytogenetic location: 4q27.
Variant type: single nucleotide variant.
Coding change: c.214+8T>G on transcript NM_001384125.1 (MANE Select); 8 bases into the intron after coding-DNA position 214, T replaced by G.
Molecular consequence: intron variant.
Genome position (GRCh38, 1-based): chr4:122,173,160, T>G. VCF-style: chr4-122173160-T-G. GRCh37 (hg19) VCF-style: chr4-123094315-T-G.
Other names: c.214+8T>G (NM_015312.4).
Identifiers: ClinVar variation 776015 (VCV000776015.8), dbSNP rs140628976, ClinGen allele CA3065269.